The following is an entry in ClinVar:

ClinVar aggregate classification (germline): Uncertain significance (1 of 4 stars; one submission).

gnomAD v4.1: 1 of 1,614,068 alleles (0.000062%); highest among the groups gnomAD compares: Non-Finnish European, 0.000085%; no homozygotes.

Submission:

Labcorp Genetics (formerly Invitae), Labcorp
Classification: Uncertain significance. Last evaluated: 2025-08-18. Review status: criteria provided, single submitter. Criteria: Invitae Variant Classification Sherloc (09022015). Collection method: clinical testing. Allele origin: germline.
Comment: This sequence change replaces glutamic acid, which is acidic and polar, with glutamine, which is neutral and polar, at codon 9 of the CENPJ protein (p.Glu9Gln). This variant is present in population databases (no rsID available, gnomAD 0.002%). This variant has not been reported in the literature in individuals affected with CENPJ-related conditions. ClinVar contains an entry for this variant (Variation ID: 2091386). An algorithm developed to predict the effect of missense changes on protein structure and function (PolyPhen-2) suggests that this variant is likely to be disruptive. Algorithms developed to predict the effect of sequence changes on RNA splicing suggest that this variant may create or strengthen a splice site. In summary, the available evidence is currently insufficient to determine the role of this variant in disease. Therefore, it has been classified as a Variant of Uncertain Significance.

NM_018451.5(CPAP):c.25G>C (p.Glu9Gln)

Gene: CPAP (centrosome assembly and centriole elongation protein; minus strand). Cytogenetic location: 13q12.13.
Variant type: single nucleotide variant.
Coding change: c.25G>C on transcript NM_018451.5 (MANE Select); coding-DNA position 25, G replaced by C.
Protein change: p.Glu9Gln; replaces glutamic acid 9 with glutamine.
Molecular consequence: missense variant. On other transcripts: non-coding transcript variant (2).
Genome position (GRCh38, 1-based): chr13:24,913,001, C>G on the plus strand (G>C on the coding strand, the complement: CPAP is on the minus strand). VCF-style: chr13-24913001-C-G. GRCh37 (hg19) VCF-style: chr13-25487139-C-G.
Other names: short protein forms E9Q.
Identifiers: ClinVar variation 2091386 (VCV002091386.4), dbSNP rs1429642805, ClinGen allele CA387592566.